The following is an entry in ClinVar:

NM_000454.5(SOD1):c.140A>G (p.His47Arg)

Gene: SOD1 (superoxide dismutase 1; plus strand). Cytogenetic location: 21q22.11.
Variant type: single nucleotide variant.
Coding change: c.140A>G on transcript NM_000454.5 (MANE Select); coding-DNA position 140, A replaced by G.
Protein change: p.His47Arg; replaces histidine 47 with arginine.
Molecular consequence: missense variant.
Genome position (GRCh38, 1-based): chr21:31,663,857, A>G. VCF-style: chr21-31663857-A-G. GRCh37 (hg19) VCF-style: chr21-33036170-A-G.
Other names: H46R; short protein forms H47R.
Identifiers: ClinVar variation 14764 (VCV000014764.15), dbSNP rs121912443, ClinGen allele CA257335.

ClinVar aggregate classification (germline): Pathogenic. Review status: criteria provided, multiple submitters, no conflicts (2 of 4 stars). 8 submissions from 8 submitters: Pathogenic (6). 2 of the submissions do not count toward it. Last evaluated 2026-07-01.

Conditions:
SOD1-related disorder. Also called: SOD1-related condition.
Amyotrophic lateral sclerosis (ALS). Also called: Charcot disease; Lou Gehrig disease. Identifiers: Orphanet 803, MedGen C0002736, MONDO:0004976, HP:0007354.
Amyotrophic lateral sclerosis type 1 (ALS1). Also called: AMYOTROPHIC LATERAL SCLEROSIS 1, FAMILIAL. Identifiers: Orphanet 803, MedGen C1862939, MONDO:0007103, OMIM 105400.

Submissions (8):

CeGaT Center for Human Genetics Tuebingen
Classification: Pathogenic. Last evaluated: 2026-07-01. Review status: criteria provided, single submitter. Criteria: CeGaT Center For Human Genetics Tuebingen Variant Classification Criteria Version 2. Collection method: clinical testing. Allele origin: germline. Affected: yes. Observed: 1 variant allele.
Comment: SOD1: PP1:Strong, PS2, PS4, PM2, PS3:Supporting

Labcorp Genetics (formerly Invitae), Labcorp
Classification: Pathogenic for Amyotrophic lateral sclerosis type 1. Last evaluated: 2025-09-23. Review status: criteria provided, single submitter. Criteria: Invitae Variant Classification Sherloc (09022015). Collection method: clinical testing. Allele origin: germline.
Comment: This sequence change replaces histidine, which is basic and polar, with arginine, which is basic and polar, at codon 47 of the SOD1 protein (p.His47Arg). This variant is not present in population databases (gnomAD no frequency). This missense change has been observed in individuals with autosomal dominant amyotrophic lateral sclerosis (ALS) (PMID: 7836951, 8298637, 14506936, 22475618, 25025039). It has also been observed to segregate with disease in related individuals. This variant is also known as p.His46Arg. ClinVar contains an entry for this variant (Variation ID: 14764). Invitae Evidence Modeling of protein sequence and biophysical properties (such as structural, functional, and spatial information, amino acid conservation, physicochemical variation, residue mobility, and thermodynamic stability) indicates that this missense variant is expected to disrupt SOD1 protein function with a positive predictive value of 95%. Experimental studies have shown that this missense change affects SOD1 function (PMID: 7836951, 8298637, 10889018, 18951903, 19483195, 19635794). For these reasons, this variant has been classified as Pathogenic.

Suna and Inan Kirac Foundation Neurodegeneration Research Laboratory, Koc University
Classification: Pathogenic for Amyotrophic lateral sclerosis type 1. Last evaluated: 2023-04-20. Review status: criteria provided, single submitter. Criteria: ACMG Guidelines, 2015. Collection method: clinical testing. Allele origin: de novo. Inheritance: Sporadic. Affected: yes. Observed: 1 heterozygote.
Comment: The His47Arg variant of SOD1 gene is the most frequent SOD1 mutation in Asian ALS patients (Arisato 2003, Tang 2019). The mutation first described in two Japanese ALS families and is found to be disruptive for protein function (Aoki 1994).

Dept. of Medical Genetics, Telemark Hospital Trust, Telemark Hospital Trust
Classification: Pathogenic for Amyotrophic Lateral Sclerosis. Last evaluated: 2022-01-01. Review status: criteria provided, single submitter. Criteria: ACMG Guidelines, 2015. Collection method: research. Allele origin: germline. Affected: yes.

Athena Diagnostics
Classification: Pathogenic. Last evaluated: 2021-01-18. Review status: criteria provided, single submitter. Criteria: Athena Diagnostics criteria. Collection method: clinical testing. Allele origin: unknown.
Comment: This variant was not reported in large, multi-ethnic, general populations. This variant has been identified in multiple unrelated individuals with clinical features associated with this gene. This variant is also referred to as p.His46Arg in published literature. Assessment of experimental evidence suggests this variant results in abnormal protein function. This variant was shown to impair the metal binding activity of the protein (PMID: 10889018, 19635794, 18951903). Computational tools predict that this variant is damaging.

GeneDx
Classification: Pathogenic. Last evaluated: 2016-06-27. Review status: criteria provided, single submitter. Criteria: GeneDx Variant Classification (06012015). Collection method: clinical testing. Allele origin: germline. Affected: yes.
Comment: The H47R variant in the SOD1 gene, also reported as H46R due to alternate nomenclature, was initially found to co-segregate with a slowly progressive autosomal dominant form of amyotrophic lateral sclerosis in multiple affected individuals from two unrelated Japanese families (Aoki et al., 1993). The H47R variant has also been reported to co-segregate with a dominant form of hereditary motor neuropathy (Ostern et al., 2012; Hoyer et al., 2014). The H47R variant was not observed in approximately 6,500 individuals of European and African American ancestry in the NHLBI Exome Sequencing Project, indicating it is not a common benign variant in these populations. The H47R variant is a conservative amino acid substitution, which occurs at a position that is conserved across species. Functional studies demonstrate that results in a conformational change of the SOD1 protein resulting in aberrant binding activity (Fujisawa et al., 2012). We interpret H47R as a pathogenic variant.

PreventionGenetics, part of Exact Sciences
Classification: Pathogenic for SOD1-related condition. Last evaluated: 2024-03-12. Review status: no assertion criteria provided. Collection method: clinical testing. Allele origin: germline. Not counted in ClinVar's aggregate classification.
Comment: The SOD1 c.140A>G variant is predicted to result in the amino acid substitution p.His47Arg. This variant, previously referred to as p.His46Arg using legacy nomenclature, has been reported to be causative for ALS in the heterozygous state (Aoki et al. 1993, PubMed ID: 8298637; Niemann et al 2004. PubMed ID: 15258228). The c.140A>G variant has been interpreted as pathogenic in the ClinVar database. This variant has not been reported in a large population database, indicating this variant is rare. This variant is interpreted as pathogenic.

OMIM
Classification: Pathogenic for AMYOTROPHIC LATERAL SCLEROSIS 1. Last evaluated: 2000-07-18. Review status: no assertion criteria provided. Collection method: literature only. Allele origin: germline. Not counted in ClinVar's aggregate classification.

Literature cited by the submitters: PubMed 7836951 (cited by 4 submitters); PubMed 8298637 (cited by 3 submitters); PubMed 14506936 (cited by Labcorp Genetics (formerly Invitae), Labcorp); PubMed 22475618 (cited by Labcorp Genetics (formerly Invitae), Labcorp and Athena Diagnostics); PubMed 25025039 (cited by Labcorp Genetics (formerly Invitae), Labcorp and Athena Diagnostics); PubMed 10889018 (cited by 3 submitters); PubMed 18951903 (cited by Labcorp Genetics (formerly Invitae), Labcorp and Athena Diagnostics); PubMed 19483195 (cited by Labcorp Genetics (formerly Invitae), Labcorp); PubMed 19635794 (cited by Labcorp Genetics (formerly Invitae), Labcorp and Athena Diagnostics); PubMed 14517684 (cited by Suna and Inan Kirac Foundation Neurodegeneration Research Laboratory, Koc University and Athena Diagnostics); PubMed 30637102 (cited by Suna and Inan Kirac Foundation Neurodegeneration Research Laboratory, Koc University and Athena Diagnostics); PubMed 11997070 (cited by Athena Diagnostics); PubMed 15465081 (cited by Athena Diagnostics); PubMed 19344917 (cited by Athena Diagnostics); PubMed 15258228 (cited by Athena Diagnostics); PubMed 27348463 (cited by Athena Diagnostics); PubMed 31788332 (cited by Athena Diagnostics); PubMed 26742954 (cited by Athena Diagnostics); PubMed 16945901 (cited by Athena Diagnostics); PubMed 17483589 (cited by Athena Diagnostics); PubMed 20309572 (cited by Athena Diagnostics).